The following is an entry in ClinVar:

NM_022464.5(SIL1):c.1331G>T (p.Gly444Val)

Gene: SIL1 (SIL1 nucleotide exchange factor; minus strand). Cytogenetic location: 5q31.2.
Variant type: single nucleotide variant.
Coding change: c.1331G>T on transcript NM_022464.5 (MANE Select); coding-DNA position 1331, G replaced by T.
Protein change: p.Gly444Val; replaces glycine 444 with valine.
Molecular consequence: missense variant.
Genome position (GRCh38, 1-based): chr5:138,947,172, C>A on the plus strand (G>T on the coding strand, the complement: SIL1 is on the minus strand). VCF-style: chr5-138947172-C-A. GRCh37 (hg19) VCF-style: chr5-138282861-C-A.
Other names: c.1331G>T, p.Gly444Val (NM_001037633.2); short protein forms G444V.
Identifiers: ClinVar variation 2068673 (VCV002068673.2), dbSNP rs745549568, ClinGen allele CA361136426.

ClinVar aggregate classification (germline): Uncertain significance (1 of 4 stars; one submission).

Conditions:
Marinesco-Sjögren syndrome (MSS). Also called: Marinesco-Sjogren Syndrome; Marinesco-SjÃ¶gren syndrome. Identifiers: Orphanet 559, MedGen C0024814, MONDO:0009567, OMIM 248800.

gnomAD v4.1: 8 of 1,613,628 alleles (0.0005%); highest among the groups gnomAD compares: Non-Finnish European, 0.00059%; no homozygotes.

Submission:

Labcorp Genetics (formerly Invitae), Labcorp
Classification: Uncertain significance for Marinesco-Sjögren syndrome. Last evaluated: 2025-05-04. Review status: criteria provided, single submitter. Criteria: Invitae Variant Classification Sherloc (09022015). Collection method: clinical testing. Allele origin: germline.
Comment: This sequence change replaces glycine, which is neutral and non-polar, with valine, which is neutral and non-polar, at codon 444 of the SIL1 protein (p.Gly444Val). This variant is not present in population databases (gnomAD no frequency). This variant has not been reported in the literature in individuals affected with SIL1-related conditions. ClinVar contains an entry for this variant (Variation ID: 2068673). Invitae Evidence Modeling of protein sequence and biophysical properties (such as structural, functional, and spatial information, amino acid conservation, physicochemical variation, residue mobility, and thermodynamic stability) has been performed for this missense variant. However, the output from this modeling did not meet the statistical confidence thresholds required to predict the impact of this variant on SIL1 protein function. In summary, the available evidence is currently insufficient to determine the role of this variant in disease. Therefore, it has been classified as a Variant of Uncertain Significance.